The following is an entry in ClinVar:

NM_014336.5(AIPL1):c.*1202C>T

Gene: AIPL1 (AIP like 1 HSP90 co-chaperone; minus strand). Cytogenetic location: 17p13.2.
Variant type: single nucleotide variant.
Coding change: c.*1202C>T on transcript NM_014336.5 (MANE Select); 1202 bases downstream of the stop codon, C replaced by T.
Molecular consequence: 3 prime UTR variant.
Genome position (GRCh38, 1-based): chr17:6,424,258, G>A on the plus strand (C>T on the coding strand, the complement: AIPL1 is on the minus strand). VCF-style: chr17-6424258-G-A. GRCh37 (hg19) VCF-style: chr17-6327578-G-A.
Other names: c.*1202C>T (NM_001033054.3, NM_001033055.3, NM_001285399.3 and 3 more transcripts).
Identifiers: ClinVar variation 324582 (VCV000324582.7), dbSNP rs907937, ClinGen allele CA10640232.

ClinVar aggregate classification (germline): Benign/Likely benign. Review status: criteria provided, multiple submitters, no conflicts (2 of 4 stars). 3 submissions from 2 submitters: Benign (2); Likely benign (1). Last evaluated 2018-01-13.

Conditions:
Retinitis pigmentosa (RP). Identifiers: Orphanet 791, MedGen C0035334, MeSH D012174, MONDO:0019200, OMIM 268000. Inheritance: Autosomal dominant, autosomal recessive and X linked inheritance.
Leber congenital amaurosis 4 (LCA4). Identifiers: MedGen C1858386, MONDO:0011458, OMIM 604393.

Allele frequency attached by ClinVar (database versions not stated): gnomAD 0.10002 and 0.10352; TOPMed 0.11483; 1000 Genomes Project 0.12141; 1000 Genomes Project 30x 0.12523.

Submissions (3):

Illumina Laboratory Services, Illumina
Classification: Benign for Retinitis pigmentosa. Last evaluated: 2018-01-13. Review status: criteria provided, single submitter. Criteria: ICSL Variant Classification Criteria 13 December 2019. Collection method: clinical testing. Allele origin: germline.
Comment: This variant was observed in the ICSL laboratory as part of a predisposition screen in an ostensibly healthy population. It had not been previously curated by ICSL or reported in the Human Gene Mutation Database (HGMD: prior to June 1st, 2018), and was therefore a candidate for classification through an automated scoring system. Utilizing variant allele frequency, disease prevalence and penetrance estimates, and inheritance mode, an automated score was calculated to assess if this variant is too frequent to cause the disease. Based on the score and internal cut-off values, a variant classified as benign is not then subjected to further curation. The score for this variant resulted in a classification of benign for this disease.

Illumina Laboratory Services, Illumina
Classification: Benign for Leber congenital amaurosis 4. Last evaluated: 2018-01-13. Review status: criteria provided, single submitter. Criteria: ICSL Variant Classification Criteria 13 December 2019. Collection method: clinical testing. Allele origin: germline.
Comment: the same text as in the submission from Illumina Laboratory Services, Illumina above.

Breakthrough Genomics
Classification: Likely benign. Review status: criteria provided, single submitter. Criteria: ACMG Guidelines, 2015. Collection method: not provided. Allele origin: germline. Inheritance: Autosomal recessive inheritance. Affected: yes.